The following is an entry in ClinVar:

ClinVar aggregate classification (germline): Pathogenic (1 of 4 stars; one submission).

Conditions:
Autosomal recessive ataxia, Beauce type. Also called: SYNE1-Related Autosomal Recessive Cerebellar Ataxia; Spinocerebellar ataxia, autosomal recessive 8; ATAXIA, RECESSIVE, OF BEAUCE; SYNE1 Deficiency. Identifiers: Orphanet 88644, MedGen C1853116, MONDO:0012549, OMIM 610743.
Emery-Dreifuss muscular dystrophy 4, autosomal dominant (EDMD4). Also called: EMERY-DREIFUSS MUSCULAR DYSTROPHY 4 WITH VARIABLE FEATURES. Identifiers: Orphanet 261, MedGen C2751807, MONDO:0013071, OMIM 612998.

Submission:

Labcorp Genetics (formerly Invitae), Labcorp
Classification: Pathogenic for Emery-Dreifuss muscular dystrophy 4, autosomal dominant; Autosomal recessive ataxia, Beauce type. Last evaluated: 2025-03-05. Review status: criteria provided, single submitter. Criteria: Invitae Variant Classification Sherloc (09022015). Collection method: clinical testing. Allele origin: germline.
Comment: This sequence change creates a premature translational stop signal (p.Leu3380Phefs*40) in the SYNE1 gene. It is expected to result in an absent or disrupted protein product. Loss-of-function variants in SYNE1 are known to be pathogenic (PMID: 19542096, 24319099, 27086870). This variant is present in population databases (rs753069133, gnomAD 0.007%). This variant has not been reported in the literature in individuals affected with SYNE1-related conditions. For these reasons, this variant has been classified as Pathogenic.

Literature cited by the submitters: PubMed 19542096; PubMed 24319099; PubMed 27086870.

NM_182961.4(SYNE1):c.10117del (p.Leu3373fs)

Gene: SYNE1 (spectrin repeat containing nuclear envelope protein 1; minus strand). Cytogenetic location: 6q25.2.
Variant type: Deletion.
Coding change: c.10117del on transcript NM_182961.4 (MANE Select); coding-DNA position 10117, one base deleted (C; older notation c.10117delC).
Protein change: p.Leu3373fs; shifts the reading frame from leucine 3373.
Molecular consequence: frameshift variant.
Genome position (GRCh38, 1-based): chr6:152,364,875, G deleted on the plus strand (C on the coding strand, the reverse complement: SYNE1 is on the minus strand); the first of 3 consecutive G bases (chr6:152,364,875-152,364,877); deleting any one gives the same sequence. VCF-style (leftmost placement, unchanged base first): chr6-152364874-AG-A. GRCh37 (hg19) VCF-style: chr6-152686009-AG-A.
Other names: c.10138del, p.Leu3380fs (NM_033071.5); short protein forms L3373fs, L3380fs.
Identifiers: ClinVar variation 4788136 (VCV004788136.1).
Genomic context (GRCh38, chr6:152,364,874, plus strand): 5'-GCTTCCCCAGTGCTTGGCTGTAGTTTCCCTCACCTTTTACAACGAATCCCTGCAGACAAA[AG>A]GGATGCCCACATATCCTTCACACTCTGCAGCTGCTGCTGAATAGTGGGAATGCCTTCTGG-3'